The following is an entry in ClinVar:

NM_001165963.4(SCN1A):c.4910T>A (p.Val1637Glu)

Genes: SCN1A (sodium voltage-gated channel alpha subunit 1; minus strand), LOC102724058 (uncharacterized LOC102724058; plus strand). Cytogenetic location: 2q24.3.
Variant type: single nucleotide variant.
Coding change: c.4910T>A on transcript NM_001165963.4 (MANE Select); coding-DNA position 4910, T replaced by A.
Protein change: p.Val1637Glu; replaces valine 1637 with glutamic acid.
Molecular consequence: missense variant. On other transcripts: non-coding transcript variant (1).
Genome position (GRCh38, 1-based): chr2:165,992,365, A>T on the plus strand (T>A on the coding strand, the complement: SCN1A is on the minus strand). VCF-style: chr2-165992365-A-T. GRCh37 (hg19) VCF-style: chr2-166848875-A-T.
Other names: NM_001165963.4(SCN1A):c.4910T>A; c.4826T>A, p.Val1609Glu (NM_001165964.3, NM_001353957.2, NM_001353958.2); c.4910T>A, p.Val1637Glu (NM_001202435.3, NM_001353948.2); c.4877T>A, p.Val1626Glu (NM_001353949.2, NM_001353950.2, NM_001353951.2 and 2 more transcripts); c.4874T>A, p.Val1625Glu (NM_001353954.2, NM_001353955.2); c.4823T>A, p.Val1608Glu (NM_001353960.2); c.2468T>A, p.Val823Glu (NM_001353961.2); short protein forms V1626E, V1637E, V1625E, V823E, V1608E, V1609E.
Identifiers: ClinVar variation 68640 (VCV000068640.2), dbSNP rs121918810, ClinGen allele CA219781.
Genomic context (GRCh38, chr2:165,992,365, plus strand): 5'-CGGATCCCCTTTGCTCCTTTGATCAGACGTAGGATTCGGCCAATCCTAGCAAGACGGATC[A>T]CTCGGAACAGGGTAGGGGACACGAAATACTTTTCTATCAGCTCGGCAAGAAACATACCTA-3'
Protein context (NP_001159435.1, residues 1627-1647): KYFVSPTLFR[Val1637Glu]IRLARIGRIL

ClinVar aggregate classification (germline): Likely pathogenic. Review status: reviewed by expert panel (3 of 4 stars). 2 submissions from 2 submitters: Likely pathogenic (1). 1 of the submissions does not count toward it. Last evaluated 2026-02-24.

Conditions:
Severe myoclonic epilepsy in infancy (DRVT). Also called: Epileptic encephalopathy, early infantile, 6 (Dravet syndrome); Dravet syndrome; SEVERE MYOCLONIC EPILEPSY OF INFANCY; DEVELOPMENTAL AND EPILEPTIC ENCEPHALOPATHY 6A; Severe Myoclonic Epilepsy in Infancy (SMEI). Identifiers: Orphanet 33069, MedGen C0751122, MONDO:0100135, OMIM 607208.

Submissions (2):

ClinGen Epilepsy Sodium Channel Variant Curation Expert Panel, Clingen
Classification: Likely pathogenic for Severe myoclonic epilepsy in infancy. Last evaluated: 2026-02-24. Review status: reviewed by expert panel. Criteria: ClinGen EpilepsySCN ACMG Specifications SCN1A V2.0.0. Collection method: curation. Allele origin: germline. Inheritance: Autosomal dominant inheritance.
Comment: The c.4910T>A variant in SCN1A is a missense variant predicted to cause substitution of Valine by Glutamic acid at amino acid 1637 (p.Val1637Glu). This variant has been identified as a de novo occurrence with unconfirmed parental relationships in 1 individual with Dravet Syndrome (PM6; PMID 20392657). This variant is absent from gnomAD v4.1.0 (PM2_supporting) and resides within a region of SCN1A that is defined as a mutational hotspot and/or critical functional domain by the ClinGen Epilepsy Sodium Channel VCEP (PM1). The computational predictor REVEL gives a score of 0.988, which is above the threshold of 0.773, evidence that correlates with impact to SCN1A function (PP3_moderate). In summary, this variant meets the criteria to be classified as likely pathogenic for autosomal dominant Dravet syndrome based on the ACMG/AMP criteria applied, as specified by the ClinGen Epilepsy Sodium Channel VCEP: PM1, PM6, PP3_moderate, PM2_supporting. (Version 2.0.0; approved 02/24/2026).

UniProtKB/Swiss-Prot
No classification provided. Review status: no classification provided. Collection method: not provided. Allele origin: not provided. Not counted in ClinVar's aggregate classification.